The following is an entry in ClinVar:

NM_001357.5(DHX9):c.3278C>A (p.Ser1093Tyr)

Gene: DHX9 (DExH-box helicase 9; plus strand). Cytogenetic location: 1q25.3.
Variant type: single nucleotide variant.
Coding change: c.3278C>A on transcript NM_001357.5 (MANE Select); coding-DNA position 3278, C replaced by A.
Protein change: p.Ser1093Tyr; replaces serine 1093 with tyrosine.
Molecular consequence: missense variant. On other transcripts: non-coding transcript variant (1).
Genome position (GRCh38, 1-based): chr1:182,884,630, C>A. VCF-style: chr1-182884630-C-A. GRCh37 (hg19) VCF-style: chr1-182853765-C-A.
Other names: short protein forms S1093Y.
Identifiers: ClinVar variation 4881616 (VCV004881616.2).

ClinVar aggregate classification (germline): Uncertain significance (1 of 4 stars; one submission).

Conditions:
Intellectual developmental disorder, autosomal dominant 75. Identifiers: MedGen C5975482, MONDO:0975838, OMIM 620988.

Submission:

Dasa
Classification: Uncertain significance for Intellectual developmental disorder, autosomal dominant 75. Last evaluated: 2025-09-15. Review status: criteria provided, single submitter. Criteria: DASA Assertion Criteria. Collection method: clinical testing. Allele origin: germline.
Comment: NM_001357.5(DHX9):c.3278C>A (p.Ser1093Tyr) is a missense variant that results in the substitution of serine with tyrosine. This variant is absent from population databases. The currently available literature and clinical evidence are not sufficient to establish a definitive association between this variant and the reported condition. Therefore, this variant is classified as a variant of uncertain significance.